The following is an entry in ClinVar:

NM_005559.4(LAMA1):c.2490-13A>G

Gene: LAMA1 (laminin subunit alpha 1; minus strand). Cytogenetic location: 18p11.31.
Variant type: single nucleotide variant.
Coding change: c.2490-13A>G on transcript NM_005559.4 (MANE Select); 13 bases into the intron before coding-DNA position 2490, A replaced by G.
Molecular consequence: intron variant.
Genome position (GRCh38, 1-based): chr18:7,023,388, T>C on the plus strand (A>G on the coding strand, the complement: LAMA1 is on the minus strand). VCF-style: chr18-7023388-T-C. GRCh37 (hg19) VCF-style: chr18-7023387-T-C.
Identifiers: ClinVar variation 1946868 (VCV001946868.5), dbSNP rs1194541267, ClinGen allele CA781984453.

ClinVar aggregate classification (germline): Uncertain significance (1 of 4 stars; one submission).

Allele frequency attached by ClinVar (database versions not stated): gnomAD exomes below 0.00001; TOPMed 0.00001.
gnomAD v4.1: 7 of 1,611,106 alleles (0.00043%); highest among the groups gnomAD compares: Non-Finnish European, 0.00051%; no homozygotes.

Submission:

Labcorp Genetics (formerly Invitae), Labcorp
Classification: Uncertain significance. Last evaluated: 2022-08-19. Review status: criteria provided, single submitter. Criteria: Invitae Variant Classification Sherloc (09022015). Collection method: clinical testing. Allele origin: germline.
Comment: This variant is not present in population databases (gnomAD no frequency). This variant has not been reported in the literature in individuals affected with LAMA1-related conditions. Algorithms developed to predict the effect of sequence changes on RNA splicing suggest that this variant may disrupt the consensus splice site. In summary, the available evidence is currently insufficient to determine the role of this variant in disease. Therefore, it has been classified as a Variant of Uncertain Significance. This sequence change falls in intron 18 of the LAMA1 gene. It does not directly change the encoded amino acid sequence of the LAMA1 protein.